The following is an entry in ClinVar:

NM_001201543.2(FAM161A):c.1401T>G (p.Ile467Met)

Gene: FAM161A (FAM161 centrosomal protein A; minus strand). Cytogenetic location: 2p15.
Variant type: single nucleotide variant.
Coding change: c.1401T>G on transcript NM_001201543.2 (MANE Select); coding-DNA position 1401, T replaced by G.
Protein change: p.Ile467Met; replaces isoleucine 467 with methionine.
Molecular consequence: missense variant. On other transcripts: non-coding transcript variant (1).
Genome position (GRCh38, 1-based): chr2:61,839,603, A>C on the plus strand (T>G on the coding strand, the complement: FAM161A is on the minus strand). VCF-style: chr2-61839603-A-C. GRCh37 (hg19) VCF-style: chr2-62066738-A-C.
Other names: c.1401T>G, p.Ile467Met (NM_032180.3); short protein forms I467M.
Identifiers: ClinVar variation 1014289 (VCV001014289.9), dbSNP rs1290409340, ClinGen allele CA346986604.

ClinVar aggregate classification (germline): Uncertain significance. Review status: criteria provided, single submitter (1 of 4 stars). 2 submissions from 2 submitters: Uncertain significance (1). 1 of the submissions does not count toward it. Last evaluated 2020-07-01.

Conditions:
Retinitis pigmentosa 28 (RP28). Identifiers: Orphanet 791, MedGen C1419614, MONDO:0011630, OMIM 606068.

Allele frequency attached by ClinVar (database versions not stated): gnomAD exomes below 0.00001.
gnomAD v4.1: 1 of 1,614,146 alleles (0.000062%); highest among the groups gnomAD compares: Non-Finnish European, 0.000085%; no homozygotes.

Submissions (2):

Labcorp Genetics (formerly Invitae), Labcorp
Classification: Uncertain significance. Last evaluated: 2020-07-01. Review status: criteria provided, single submitter. Criteria: Invitae Variant Classification Sherloc (09022015). Collection method: clinical testing. Allele origin: germline.
Comment: This variant is not present in population databases (ExAC no frequency). In summary, the available evidence is currently insufficient to determine the role of this variant in disease. Therefore, it has been classified as a Variant of Uncertain Significance. Algorithms developed to predict the effect of missense changes on protein structure and function are either unavailable or do not agree on the potential impact of this missense change (SIFT: "Deleterious"; PolyPhen-2: "Benign"; Align-GVGD: "Class C0"). This variant has not been reported in the literature in individuals with FAM161A-related conditions. This sequence change replaces isoleucine with methionine at codon 467 of the FAM161A protein (p.Ile467Met). The isoleucine residue is weakly conserved and there is a small physicochemical difference between isoleucine and methionine.

Natera, Inc.
Classification: Uncertain significance for Retinitis pigmentosa type 28. Last evaluated: 2021-05-19. Review status: no assertion criteria provided. Collection method: clinical testing. Allele origin: germline. Not counted in ClinVar's aggregate classification.